The following is an entry in ClinVar:

ClinVar aggregate classification (germline): Uncertain significance (1 of 4 stars; one submission).

Submission:

GeneDx
Classification: Uncertain significance. Last evaluated: 2017-06-22. Review status: criteria provided, single submitter. Criteria: GeneDx Variant Classification (06012015). Collection method: clinical testing. Allele origin: germline. Affected: yes.
Comment: The R1215S variant has not been published as a pathogenic variant, nor has it been reported as a benign variant to our knowledge. The R1215S variant is not observed in large population cohorts (Lek et al., 2016; 1000 Genomes Consortium et al., 2015; Exome Variant Server). The R1215S variant is a semi-conservative amino acid substitution, which may impact secondary protein structure as these residues differ in some properties. This substitution occurs at a position where amino acids with similar properties to Arginine are tolerated across species. In silico analysis is inconsistent in its predictions as to whether or not the variant is damaging to the protein structure/function. Therefore, based on the currently available information, it is unclear whether this variant is a pathogenic variant or a rare benign variant.

NM_024577.4(SH3TC2):c.3643C>A (p.Arg1215Ser)

Gene: SH3TC2 (SH3 domain and tetratricopeptide repeats 2; minus strand). Cytogenetic location: 5q32.
Variant type: single nucleotide variant.
Coding change: c.3643C>A on transcript NM_024577.4 (MANE Select); coding-DNA position 3643, C replaced by A.
Protein change: p.Arg1215Ser; replaces arginine 1215 with serine.
Molecular consequence: missense variant.
Genome position (GRCh38, 1-based): chr5:149,006,913, G>T on the plus strand (C>A on the coding strand, the complement: SH3TC2 is on the minus strand). VCF-style: chr5-149006913-G-T. GRCh37 (hg19) VCF-style: chr5-148386476-G-T.
Other names: short protein forms R1215S.
Identifiers: ClinVar variation 450036 (VCV000450036.2), dbSNP rs267600481, ClinGen allele CA361663944.
Genomic context (GRCh38, chr5:149,006,913, plus strand): 5'-CAGGAAATCTGGGAAGTCTGGCTCTTACCTTCAGCTGGCAGAAGGTGAGTCTGCCCAGGC[G>T]ATAATACACCTTGGCATAGTACAGGGCCTCCTTGGGACTCTGCAGCCATGGTGGACAGAG-3'
Protein context (NP_078853.2, residues 1205-1225): EALYYAKVYY[Arg1215Ser]LGRLTFCQLK